The following is an entry in ClinVar:

ClinVar aggregate classification (germline): Uncertain significance (1 of 4 stars; one submission).

Conditions:
Inborn genetic diseases. Identifiers: MedGen C0950123, MeSH D030342.

Submission:

Ambry Genetics
Classification: Uncertain significance for Inborn genetic diseases. Last evaluated: 2025-05-07. Review status: criteria provided, single submitter. Criteria: Ambry Variant Classification Scheme 2023. Collection method: clinical testing. Allele origin: germline.
Comment: The p.F24S variant (also known as c.71T>C), located in coding exon 2 of the HAX1 gene, results from a T to C substitution at nucleotide position 71. The phenylalanine at codon 24 is replaced by serine, an amino acid with highly dissimilar properties. This amino acid position is conserved. In addition, this alteration is predicted to be deleterious by in silico analysis. Based on the available evidence, the clinical significance of this variant remains unclear.

NM_006118.4(HAX1):c.71T>C (p.Phe24Ser)

Gene: HAX1 (HCLS1 associated protein X-1; plus strand). Cytogenetic location: 1q21.3.
Variant type: single nucleotide variant.
Coding change: c.71T>C on transcript NM_006118.4 (MANE Select); coding-DNA position 71, T replaced by C.
Protein change: p.Phe24Ser; replaces phenylalanine 24 with serine.
Molecular consequence: missense variant. On other transcripts: intron variant (1).
Genome position (GRCh38, 1-based): chr1:154,273,353, T>C. VCF-style: chr1-154273353-T-C. GRCh37 (hg19) VCF-style: chr1-154245829-T-C.
Other names: c.54-127T>C (NM_001018837.2); short protein forms F24S.
Identifiers: ClinVar variation 4033855 (VCV004033855.1).